The following is an entry in ClinVar:

NM_012471.3(TRPC5):c.393G>A (p.Met131Ile)

Gene: TRPC5 (transient receptor potential cation channel subfamily C member 5; minus strand). Cytogenetic location: Xq23.
Variant type: single nucleotide variant.
Coding change: c.393G>A on transcript NM_012471.3 (MANE Select); coding-DNA position 393, G replaced by A.
Protein change: p.Met131Ile; replaces methionine 131 with isoleucine.
Molecular consequence: missense variant.
Genome position (GRCh38, 1-based): chrX:111,912,798, C>T on the plus strand (G>A on the coding strand, the complement: TRPC5 is on the minus strand). VCF-style: chrX-111912798-C-T. GRCh37 (hg19) VCF-style: chrX-111156026-C-T.
Other names: short protein forms M131I.
Identifiers: ClinVar variation 3348767 (VCV003348767.1).
Genomic context (GRCh38, chrX:111,912,798, plus strand): 5'-GTGGGCAGCCAGCATGATGGGAGTGATGTCCGGTGTGAATTCAGAGAACTGCGTGTCCAT[C>T]ATCAGAGTGGGGACCTAGGTACAAGAAATGAGAAGAATAGAAGGGCAGGATTAAAGTTTG-3'
Protein context (NP_036603.1, residues 121-141): PSGEKQVPTL[Met131Ile]MDTQFSEFTP

ClinVar aggregate classification (germline): Uncertain significance (0 of 4 stars; one submission).

Conditions:
TRPC5-related disorder. Also called: TRPC5-related condition.

Submission:

PreventionGenetics, part of Exact Sciences
Classification: Uncertain significance for TRPC5-related condition. Last evaluated: 2023-11-14. Review status: no assertion criteria provided. Collection method: clinical testing. Allele origin: germline.
Comment: The TRPC5 c.393G>A variant is predicted to result in the amino acid substitution p.Met131Ile. To our knowledge, this variant has not been reported in the literature. This variant is reported in 0.0037% of alleles in individuals of Latino descent in gnomAD. At this time, the clinical significance of this variant is uncertain due to the absence of conclusive functional and genetic evidence.